The following is an entry in ClinVar:

NM_001999.4(FBN2):c.8529C>A (p.Ser2843Arg)

Gene: FBN2 (fibrillin 2; minus strand). Cytogenetic location: 5q23.3.
Variant type: single nucleotide variant.
Coding change: c.8529C>A on transcript NM_001999.4 (MANE Select); coding-DNA position 8529, C replaced by A.
Protein change: p.Ser2843Arg; replaces serine 2843 with arginine.
Molecular consequence: missense variant.
Genome position (GRCh38, 1-based): chr5:128,259,665, G>T on the plus strand (C>A on the coding strand, the complement: FBN2 is on the minus strand). VCF-style: chr5-128259665-G-T. GRCh37 (hg19) VCF-style: chr5-127595357-G-T.
Other names: short protein forms S2843R.
Identifiers: ClinVar variation 3019981 (VCV003019981.3), dbSNP rs140437100, ClinGen allele CA360745607.
Genomic context (GRCh38, chr5:128,259,665, plus strand): 5'-GAGCTTCTTCTTGGCCGTGTGCAAGTAGCTGAGCCCATTCCTTTGGTGGATGCGGAAGAC[G>T]CTGTCATCGTTCCCTTGAGAGATGACATAACGGATGTGGTTGTTGAGGGGCTGGATGGCG-3'
Protein context (NP_001990.2, residues 2833-2853): RYVISQGNDD[Ser2843Arg]VFRIHQRNGL

ClinVar aggregate classification (germline): Uncertain significance (1 of 4 stars; one submission).

Conditions:
Congenital contractural arachnodactyly (CCA). Also called: BEALS SYNDROME; Arthrogryposis, distal, type 9; Beals-Hecht syndrome. Identifiers: Orphanet 115, MedGen C0220668, MONDO:0007363, OMIM 121050.

gnomAD v4.1: 1 of 1,614,046 alleles (0.000062%); highest among the groups gnomAD compares: Non-Finnish European, 0.000085%; no homozygotes.

Submission:

Labcorp Genetics (formerly Invitae), Labcorp
Classification: Uncertain significance for Congenital contractural arachnodactyly. Last evaluated: 2023-06-11. Review status: criteria provided, single submitter. Criteria: Invitae Variant Classification Sherloc (09022015). Collection method: clinical testing. Allele origin: germline.
Comment: Advanced modeling of protein sequence and biophysical properties (such as structural, functional, and spatial information, amino acid conservation, physicochemical variation, residue mobility, and thermodynamic stability) performed at Invitae indicates that this missense variant is not expected to disrupt FBN2 protein function. This sequence change replaces serine, which is neutral and polar, with arginine, which is basic and polar, at codon 2843 of the FBN2 protein (p.Ser2843Arg). This variant is not present in population databases (gnomAD no frequency). This variant has not been reported in the literature in individuals affected with FBN2-related conditions. In summary, the available evidence is currently insufficient to determine the role of this variant in disease. Therefore, it has been classified as a Variant of Uncertain Significance.